The following is an entry in ClinVar:

NM_006612.6(KIF1C):c.1111G>A (p.Ala371Thr)

Gene: KIF1C (kinesin family member 1C; plus strand). Cytogenetic location: 17p13.2.
Variant type: single nucleotide variant.
Coding change: c.1111G>A on transcript NM_006612.6 (MANE Select); coding-DNA position 1111, G replaced by A.
Protein change: p.Ala371Thr; replaces alanine 371 with threonine.
Molecular consequence: missense variant.
Genome position (GRCh38, 1-based): chr17:5,004,946, G>A. VCF-style: chr17-5004946-G-A. GRCh37 (hg19) VCF-style: chr17-4908241-G-A.
Other names: short protein forms A371T.
Identifiers: ClinVar variation 424675 (VCV000424675.59), dbSNP rs142056835, ClinGen allele CA8318865.

ClinVar aggregate classification (germline): Conflicting classifications of pathogenicity. Review status: criteria provided, conflicting classifications (1 of 4 stars). 6 submissions from 6 submitters: Uncertain significance (1); Likely benign (5). Last evaluated 2026-08-01.

Conditions:
Hereditary spastic paraplegia. Also called: Familial spastic paraparesis. Identifiers: Orphanet 685, MedGen C0037773, MONDO:0019064. Disease mechanism: loss of function.
Spastic ataxia 2. Also called: Ataxia, spastic, 2, autosomal recessive. Identifiers: Orphanet 397946, MedGen C1969796, MONDO:0012651, OMIM 611302.

Allele frequency attached by ClinVar (database versions not stated): 1000 Genomes Project 0.00060; 1000 Genomes Project 30x 0.00062; TOPMed 0.00308; ESP Exome Variant Server 0.00331; gnomAD exomes 0.00337 and 0.00439; ExAC 0.00351; gnomAD 0.00359 and 0.00379.
gnomAD v4.1: 6,883 of 1,614,248 alleles (0.43%); highest among the groups gnomAD compares: Non-Finnish European, 0.5%; 20 homozygotes.

Submissions (24):

CeGaT Center for Human Genetics Tuebingen
Classification: Likely benign. Last evaluated: 2026-08-01. Review status: criteria provided, single submitter. Criteria: CeGaT Center For Human Genetics Tuebingen Variant Classification Criteria Version 2. Collection method: clinical testing. Allele origin: germline. Affected: yes. Observed: 28 variant alleles.
Comment: KIF1C: BS2

Labcorp Genetics (formerly Invitae), Labcorp
Classification: Likely benign for Spastic ataxia 2. Last evaluated: 2026-01-19. Review status: criteria provided, single submitter. Criteria: Invitae Variant Classification Sherloc (09022015). Collection method: clinical testing. Allele origin: germline.

Blueprint Genetics
Classification: Likely benign. Last evaluated: 2024-11-26. Review status: criteria provided, single submitter. Criteria: ACMG Guidelines, 2015. Collection method: clinical testing. Allele origin: germline.

Genome Diagnostics Laboratory, The Hospital for Sick Children
Classification: Likely benign for Hereditary spastic paraplegia. Last evaluated: 2021-03-29. Review status: criteria provided, single submitter. Criteria: ACMG Guidelines, 2015. Collection method: clinical testing. Allele origin: germline. Affected: yes.

GeneDx
Classification: Likely benign. Last evaluated: 2017-10-27. Review status: criteria provided, single submitter. Criteria: GeneDx Variant Classification (06012015). Collection method: clinical testing. Allele origin: germline. Affected: yes.
Comment: This variant is considered likely benign or benign based on one or more of the following criteria: it is a conservative change, it occurs at a poorly conserved position in the protein, it is predicted to be benign by multiple in silico algorithms, and/or has population frequency not consistent with disease.

Unit for Genetic & Epidemiological Research on Neurological Disorders, Instituto de Investigação e Inovação em Saúde
Classification: Uncertain significance for Hereditary spastic paraplegia. Last evaluated: 2017-03-07. Review status: criteria provided, single submitter. Criteria: Morais et al. (Eur J Hum Genet. 2017). Collection method: research. Allele origin: unknown. Affected: yes.

Dr. Peter K. Rogan Lab, Western University
No classification provided (evidence only). Condition: Clear cell carcinoma of kidney. Review status: no classification provided. Collection method: in vitro. Allele origin: not applicable. Functional consequence: retained intron. Not counted in ClinVar's aggregate classification.

Dr. Peter K. Rogan Lab, Western University
No classification provided (evidence only). Condition: Lung cancer. Review status: no classification provided. Collection method: in vitro. Allele origin: not applicable. Functional consequence: skipped exon. Not counted in ClinVar's aggregate classification.

Dr. Peter K. Rogan Lab, Western University
No classification provided (evidence only). Condition: Melanoma. Review status: no classification provided. Collection method: in vitro. Allele origin: not applicable. Functional consequence: retained intron. Not counted in ClinVar's aggregate classification.

Dr. Peter K. Rogan Lab, Western University
No classification provided (evidence only). Condition: Cervical cancer. Review status: no classification provided. Collection method: in vitro. Allele origin: not applicable. Functional consequence: skipped exon. Not counted in ClinVar's aggregate classification.

Dr. Peter K. Rogan Lab, Western University
No classification provided (evidence only). Condition: Cervical cancer. Review status: no classification provided. Collection method: in vitro. Allele origin: not applicable. Functional consequence: skipped exon. Not counted in ClinVar's aggregate classification.

Dr. Peter K. Rogan Lab, Western University
No classification provided (evidence only). Condition: Sarcoma. Review status: no classification provided. Collection method: in vitro. Allele origin: not applicable. Functional consequence: retained intron. Not counted in ClinVar's aggregate classification.

Dr. Peter K. Rogan Lab, Western University
No classification provided (evidence only). Condition: Thymoma. Review status: no classification provided. Collection method: in vitro. Allele origin: not applicable. Functional consequence: skipped exon. Not counted in ClinVar's aggregate classification.

Dr. Peter K. Rogan Lab, Western University
No classification provided (evidence only). Condition: Ovarian serous cystadenocarcinoma. Review status: no classification provided. Collection method: in vitro. Allele origin: not applicable. Functional consequence: retained intron. Not counted in ClinVar's aggregate classification.

Dr. Peter K. Rogan Lab, Western University
No classification provided (evidence only). Condition: Ovarian serous cystadenocarcinoma. Review status: no classification provided. Collection method: in vitro. Allele origin: not applicable. Functional consequence: retained intron. Not counted in ClinVar's aggregate classification.

Dr. Peter K. Rogan Lab, Western University
No classification provided (evidence only). Condition: Gastric cancer. Review status: no classification provided. Collection method: in vitro. Allele origin: not applicable. Functional consequence: retained intron. Not counted in ClinVar's aggregate classification.

Dr. Peter K. Rogan Lab, Western University
No classification provided (evidence only). Condition: Gastric cancer. Review status: no classification provided. Collection method: in vitro. Allele origin: not applicable. Functional consequence: retained intron. Not counted in ClinVar's aggregate classification.

Dr. Peter K. Rogan Lab, Western University
No classification provided (evidence only). Condition: Gastric cancer. Review status: no classification provided. Collection method: in vitro. Allele origin: not applicable. Functional consequence: retained intron. Not counted in ClinVar's aggregate classification.

Dr. Peter K. Rogan Lab, Western University
No classification provided (evidence only). Condition: Gastric cancer. Review status: no classification provided. Collection method: in vitro. Allele origin: not applicable. Functional consequence: retained intron. Not counted in ClinVar's aggregate classification.

Dr. Peter K. Rogan Lab, Western University
No classification provided (evidence only). Condition: Gastric cancer. Review status: no classification provided. Collection method: in vitro. Allele origin: not applicable. Functional consequence: retained intron. Not counted in ClinVar's aggregate classification.

Dr. Peter K. Rogan Lab, Western University
No classification provided (evidence only). Condition: Gastric cancer. Review status: no classification provided. Collection method: in vitro. Allele origin: not applicable. Functional consequence: retained intron. Not counted in ClinVar's aggregate classification.

Dr. Peter K. Rogan Lab, Western University
No classification provided (evidence only). Condition: Gastric cancer. Review status: no classification provided. Collection method: in vitro. Allele origin: not applicable. Functional consequence: retained intron. Not counted in ClinVar's aggregate classification.

Dr. Peter K. Rogan Lab, Western University
No classification provided (evidence only). Condition: Gastric cancer. Review status: no classification provided. Collection method: in vitro. Allele origin: not applicable. Functional consequence: retained intron. Not counted in ClinVar's aggregate classification.

Dr. Peter K. Rogan Lab, Western University
No classification provided (evidence only). Condition: Malignant tumor of esophagus. Review status: no classification provided. Collection method: in vitro. Allele origin: not applicable. Functional consequence: retained intron. Not counted in ClinVar's aggregate classification.